The following is an entry in ClinVar:

NM_000465.4(BARD1):c.1343T>A (p.Leu448Ter)

Gene: BARD1 (BRCA1 associated RING domain 1; minus strand). Cytogenetic location: 2q35.
Variant type: single nucleotide variant.
Coding change: c.1343T>A on transcript NM_000465.4 (MANE Select); coding-DNA position 1343, T replaced by A.
Protein change: p.Leu448Ter; replaces leucine 448 with a stop codon.
Molecular consequence: nonsense. On other transcripts: non-coding transcript variant (3), intron variant (3).
Genome position (GRCh38, 1-based): chr2:214,769,284, A>T on the plus strand (T>A on the coding strand, the complement: BARD1 is on the minus strand). VCF-style: chr2-214769284-A-T. GRCh37 (hg19) VCF-style: chr2-215634008-A-T.
Other names: c.1286T>A, p.Leu429Ter (NM_001282543.2); c.159-16729T>A (NM_001282548.2); c.216-16729T>A (NM_001282545.2); c.364+23013T>A (NM_001282549.2); short protein forms L429*, L448*.
Identifiers: ClinVar variation 2573248 (VCV002573248.1), dbSNP rs1694363292, ClinGen allele CA350450429.
Genomic context (GRCh38, chr2:214,769,284, plus strand): 5'-ACAACTACCAATGGTGTCCATCCAGCATGGTCTTTAACATTTGGATCACTTCCATTTTGT[A>T]AAAGGTATTCAACAGAAGGTATGTCGCCCTAGAAAAATGAACAAAACGGAAATTAAAAAG-3'

ClinVar aggregate classification (germline): Pathogenic (1 of 4 stars; one submission).

Conditions:
Familial cancer of breast. Also called: hereditary breast carcinoma; Hereditary breast cancer; BREAST CANCER, FAMILIAL. Identifiers: Orphanet 227535, MedGen C0346153, MONDO:0016419, OMIM 114480. Disease mechanism: loss of function.

Submission:

Myriad Genetics, Inc.
Classification: Pathogenic for Familial cancer of breast. Last evaluated: 2023-02-14. Review status: criteria provided, single submitter. Criteria: Myriad Autosomal Dominant, Autosomal Recessive and X-Linked Classification Criteria (2023). Collection method: clinical testing. Allele origin: unknown.
Comment: This variant is considered pathogenic. This variant creates a termination codon and is predicted to result in premature protein truncation.